The following is an entry in ClinVar:

NM_000089.4(COL1A2):c.70+674A>G

Gene: COL1A2 (collagen type I alpha 2 chain; plus strand). Cytogenetic location: 7q21.3.
Variant type: single nucleotide variant.
Coding change: c.70+674A>G on transcript NM_000089.4 (MANE Select); 674 bases into the intron after coding-DNA position 70, A replaced by G.
Molecular consequence: intron variant.
Genome position (GRCh38, 1-based): chr7:94,395,775, A>G. VCF-style: chr7-94395775-A-G. GRCh37 (hg19) VCF-style: chr7-94025087-A-G.
Identifiers: ClinVar variation 672687 (VCV000672687.1), dbSNP rs140452715, ClinGen allele CA12475840.

ClinVar aggregate classification (germline): Likely benign (1 of 4 stars; one submission).

Allele frequency attached by ClinVar (database versions not stated): 1000 Genomes Project 30x 0.00141; 1000 Genomes Project 0.00160; TOPMed 0.00193; gnomAD 0.00525 and 0.00557.
gnomAD v4.1: 805 of 152,336 alleles (0.53%); highest among the groups gnomAD compares: Non-Finnish European, 0.47%; 9 homozygotes.

Submission:

GeneDx
Classification: Likely benign. Last evaluated: 2018-06-14. Review status: criteria provided, single submitter. Criteria: GeneDx Variant Classification (06012015). Collection method: clinical testing. Allele origin: germline. Affected: yes.
Comment: This variant is considered likely benign or benign based on one or more of the following criteria: it is a conservative change, it occurs at a poorly conserved position in the protein, it is predicted to be benign by multiple in silico algorithms, and/or has population frequency not consistent with disease.